The following is an entry in ClinVar:

ClinVar aggregate classification (germline): Uncertain significance (1 of 4 stars; one submission).

Submission:

Labcorp Genetics (formerly Invitae), Labcorp
Classification: Uncertain significance. Last evaluated: 2019-07-27. Review status: criteria provided, single submitter. Criteria: Invitae Variant Classification Sherloc (09022015). Collection method: clinical testing. Allele origin: germline.
Comment: This sequence change replaces isoleucine with methionine at codon 2319 of the ADGRV1 protein (p.Ile2319Met). The isoleucine residue is moderately conserved and there is a small physicochemical difference between isoleucine and methionine. This variant is not present in population databases (ExAC no frequency). This variant has not been reported in the literature in individuals with ADGRV1-related conditions. Algorithms developed to predict the effect of missense changes on protein structure and function are either unavailable or do not agree on the potential impact of this missense change (SIFT: "Deleterious"; PolyPhen-2: "Probably Damaging"; Align-GVGD: "Class C0"). In summary, the available evidence is currently insufficient to determine the role of this variant in disease. Therefore, it has been classified as a Variant of Uncertain Significance.

NM_032119.4(ADGRV1):c.6957C>G (p.Ile2319Met)

Gene: ADGRV1 (adhesion G protein-coupled receptor V1; plus strand). Cytogenetic location: 5q14.3.
Variant type: single nucleotide variant.
Coding change: c.6957C>G on transcript NM_032119.4 (MANE Select); coding-DNA position 6957, C replaced by G.
Protein change: p.Ile2319Met; replaces isoleucine 2319 with methionine.
Molecular consequence: missense variant. On other transcripts: non-coding transcript variant (1).
Genome position (GRCh38, 1-based): chr5:90,692,610, C>G. VCF-style: chr5-90692610-C-G. GRCh37 (hg19) VCF-style: chr5-89988427-C-G.
Other names: short protein forms I2319M.
Identifiers: ClinVar variation 936025 (VCV000936025.9), dbSNP rs1264306199, ClinGen allele CA360370551.